The following is an entry in ClinVar:

ClinVar aggregate classification (germline): Pathogenic. Review status: criteria provided, multiple submitters, no conflicts (2 of 4 stars). 4 submissions from 4 submitters: Pathogenic (3). 1 of the submissions does not count toward it. Last evaluated 2026-01-30.

Conditions:
EXT2-related disorder. Also called: EXT2-related condition.
Exostoses, multiple, type 2 (EXT2). Also called: EXOSTOSES, MULTIPLE, TYPE II; Hereditary Multiple Osteochondromatosis, Type II. Identifiers: Orphanet 321, MedGen C1851413, MONDO:0007586, OMIM 133701.

Allele frequency attached by ClinVar (database versions not stated): TOPMed below 0.00001.

Submissions (4):

Labcorp Genetics (formerly Invitae), Labcorp
Classification: Pathogenic for Exostoses, multiple, type 2. Last evaluated: 2026-01-30. Review status: criteria provided, single submitter. Criteria: Invitae Variant Classification Sherloc (09022015). Collection method: clinical testing. Allele origin: germline.
Comment: This sequence change creates a premature translational stop signal (p.Gln313*) in the EXT2 gene. It is expected to result in an absent or disrupted protein product. Loss-of-function variants in EXT2 are known to be pathogenic (PMID: 10679937, 19810120). This variant is present in population databases (rs763718818, gnomAD 0.0009%). This premature translational stop signal has been observed in individual(s) with multiple osteochondromas (PMID: 16283885, 28849184). Invitae Evidence Modeling of clinical and family history, age, sex, and reported ancestry of multiple individuals with this EXT2 variant has been performed. This variant is expected to be pathogenic with a positive predictive value of at least 99%. This is a validated machine learning model that incorporates the clinical features of 66,185 individuals referred to our laboratory for EXT2 testing. ClinVar contains an entry for this variant (Variation ID: 265134). For these reasons, this variant has been classified as Pathogenic.

Variantyx, Inc.
Classification: Pathogenic for Exostoses, multiple, type 2. Last evaluated: 2025-07-28. Review status: criteria provided, single submitter. Criteria: Variantyx Assertion Criteria 2022. Collection method: clinical testing. Allele origin: germline. Inheritance: Autosomal dominant inheritance. Affected: yes.
Comment: This is a nonsense variant in the EXT2 gene (OMIM: 608210). Pathogenic variants in this gene have been associated with autosomal dominant multiple exostoses type 2. This variant introduces a premature termination codon in exon 5 out of 14 and is expected to result in loss of function, which is a known disease mechanism for EXT2 in this disorder (PMID: 10679937, 19810120) (PVS1). This variant has been reported in at least five affected individuals (PMID: 16283885, 19810120, 28849184) (PS4) and it has a 0.0004% maximum allele frequency in non-founder control populations (PM2). Based on the current evidence, this variant is classified as pathogenic for autosomal dominant multiple exostoses type 2.

GeneDx
Classification: Pathogenic. Last evaluated: 2021-11-12. Review status: criteria provided, single submitter. Criteria: GeneDx Variant Classification Process June 2021. Collection method: clinical testing. Allele origin: germline. Affected: yes.
Comment: Nonsense variant predicted to result in protein truncation or nonsense mediated decay in a gene for which loss-of-function is a known mechanism of disease; Not observed at a significant frequency in large population cohorts (Lek et al., 2016); This variant is associated with the following publications: (PMID: 17041877, 16283885, 33726816, 28849184)

PreventionGenetics, part of Exact Sciences
Classification: Pathogenic for EXT2-related condition. Last evaluated: 2023-11-03. Review status: no assertion criteria provided. Collection method: clinical testing. Allele origin: germline. Not counted in ClinVar's aggregate classification.
Comment: The EXT2 c.937C>T variant is predicted to result in premature protein termination (p.Gln313*). This variant has been reported in individuals with multiple osteochondromas (Wuyts et al. 2005. PubMed ID: 16283885; Table S1, Jennes et al. 2009. PubMed ID: 19810120; described as c.1036C>T/p.Gln346X in Xu et al. 2017. PubMed ID: 28849184). This variant is reported in 0.00088% of alleles in individuals of European (Non-Finnish) descent in gnomAD. Nonsense variants in EXT2 are expected to be pathogenic. This variant is interpreted as pathogenic.

Literature cited by the submitters: PubMed 10679937 (cited by Labcorp Genetics (formerly Invitae), Labcorp and Variantyx, Inc.); PubMed 19810120 (cited by Labcorp Genetics (formerly Invitae), Labcorp and Variantyx, Inc.); PubMed 16283885 (cited by Labcorp Genetics (formerly Invitae), Labcorp and Variantyx, Inc.); PubMed 28849184 (cited by Labcorp Genetics (formerly Invitae), Labcorp and Variantyx, Inc.).

NM_207122.2(EXT2):c.937C>T (p.Gln313Ter)

Gene: EXT2 (exostosin glycosyltransferase 2; plus strand). Cytogenetic location: 11p11.2.
Variant type: single nucleotide variant.
Coding change: c.937C>T on transcript NM_207122.2 (MANE Select); coding-DNA position 937, C replaced by T.
Protein change: p.Gln313Ter; replaces glutamine 313 with a stop codon.
Molecular consequence: nonsense.
Genome position (GRCh38, 1-based): chr11:44,124,982, C>T. VCF-style: chr11-44124982-C-T. GRCh37 (hg19) VCF-style: chr11-44146532-C-T.
Other names: c.1036C>T, p.Gln346Ter (NM_000401.3); c.937C>T, p.Gln313Ter (NM_001178083.3, NM_001389628.1, NM_001389630.1); short protein forms Q313*, Q346*.
Identifiers: ClinVar variation 265134 (VCV000265134.15), dbSNP rs763718818, ClinGen allele CA5955035.